The following is an entry in ClinVar:

ClinVar aggregate classification (germline): Conflicting classifications of pathogenicity. Review status: criteria provided, conflicting classifications (1 of 4 stars). 8 submissions from 4 submitters: Uncertain significance (5); Benign (2); Likely benign (1). Last evaluated 2020-05-04.

Conditions:
Cardiovascular phenotype. Identifiers: MedGen CN230736.
Early-onset myopathy with fatal cardiomyopathy (CMYO5). Also called: CONGENITAL MYOPATHY 5 WITH CARDIOMYOPATHY; Salih Myopathy. Identifiers: Orphanet 289377, MedGen C2673677, MONDO:0012714, OMIM 611705. Disease mechanism: loss of function.
Myopathy, myofibrillar, 9, with early respiratory failure (MFM9). Also called: EDSTROM MYOPATHY; MYOPATHY, PROXIMAL, WITH EARLY RESPIRATORY MUSCLE INVOLVEMENT; Myopathy, distal, with early respiratory failure, autosomal dominant; Hereditary myopathy with early respiratory failure. Identifiers: Orphanet 178464, Orphanet 34521, MedGen C1863599, MONDO:0011362, OMIM 603689.
Autosomal recessive limb-girdle muscular dystrophy type 2J (LGMDR10). Also called: MUSCULAR DYSTROPHY, LIMB-GIRDLE, AUTOSOMAL RECESSIVE 10; Limb-girdle muscular dystrophy, type 2J. Identifiers: Orphanet 140922, MedGen C1837342, MONDO:0012127, OMIM 608807.
Tibial muscular dystrophy (TMD). Also called: UDD MYOPATHY; Tibial muscular dystrophy, tardive; Udd Distal Myopathy – Tibial Muscular Dystrophy. Identifiers: Orphanet 609, MedGen C1838244, MONDO:0010870, OMIM 600334.
Dilated cardiomyopathy 1G (CMD1G). Identifiers: Orphanet 154, MedGen C1858763, MONDO:0011400, OMIM 604145.

Allele frequency attached by ClinVar (database versions not stated): TOPMed 0.00001; gnomAD 0.00002; gnomAD exomes 0.00005 and 0.00012; ExAC 0.00016.
gnomAD v4.1: 69 of 1,613,090 alleles (0.0043%); highest among the groups gnomAD compares: Non-Finnish European, 0.0051%; no homozygotes.

Submissions (8):

Ambry Genetics
Classification: Likely benign for Cardiovascular phenotype. Last evaluated: 2020-05-04. Review status: criteria provided, single submitter. Criteria: Ambry Variant Classification Scheme 2023. Collection method: clinical testing. Allele origin: germline.

Revvity Omics, Revvity
Classification: Uncertain significance. Last evaluated: 2019-03-21. Review status: criteria provided, single submitter. Criteria: ACMG Guidelines, 2015. Collection method: clinical testing. Allele origin: germline.

Illumina Laboratory Services, Illumina
Classification: Benign for Myopathy, myofibrillar, 9, with early respiratory failure. Last evaluated: 2018-01-13. Review status: criteria provided, single submitter. Criteria: ICSL Variant Classification Criteria 13 December 2019. Collection method: clinical testing. Allele origin: germline.
Comment: This variant was observed in the ICSL laboratory as part of a predisposition screen in an ostensibly healthy population. It had not been previously curated by ICSL or reported in the Human Gene Mutation Database (HGMD: prior to June 1st, 2018), and was therefore a candidate for classification through an automated scoring system. Utilizing variant allele frequency, disease prevalence and penetrance estimates, and inheritance mode, an automated score was calculated to assess if this variant is too frequent to cause the disease. Based on the score and internal cut-off values, a variant classified as benign is not then subjected to further curation. The score for this variant resulted in a classification of benign for this disease.

Illumina Laboratory Services, Illumina
Classification: Uncertain significance for Dilated cardiomyopathy 1G. Last evaluated: 2018-01-13. Review status: criteria provided, single submitter. Criteria: ICSL Variant Classification Criteria 13 December 2019. Collection method: clinical testing. Allele origin: germline.

Illumina Laboratory Services, Illumina
Classification: Uncertain significance for Autosomal recessive limb-girdle muscular dystrophy type 2J. Last evaluated: 2018-01-13. Review status: criteria provided, single submitter. Criteria: ICSL Variant Classification Criteria 13 December 2019. Collection method: clinical testing. Allele origin: germline.

Illumina Laboratory Services, Illumina
Classification: Uncertain significance for Early-onset myopathy with fatal cardiomyopathy. Last evaluated: 2018-01-13. Review status: criteria provided, single submitter. Criteria: ICSL Variant Classification Criteria 13 December 2019. Collection method: clinical testing. Allele origin: germline.

Illumina Laboratory Services, Illumina
Classification: Benign for Tibial muscular dystrophy. Last evaluated: 2018-01-13. Review status: criteria provided, single submitter. Criteria: ICSL Variant Classification Criteria 13 December 2019. Collection method: clinical testing. Allele origin: germline.
Comment: the same text as in the submission from Illumina Laboratory Services, Illumina above.

GeneDx
Classification: Uncertain significance. Last evaluated: 2014-06-23. Review status: criteria provided, single submitter. Criteria: GeneDx Variant Classification (06012015). Collection method: clinical testing. Allele origin: germline. Affected: yes.
Comment: Missense variants in the TTN gene are considered 'unclassified' if they are not previously reported in the literature and do not have >1% frequency in the population to be considered a polymorphism. Research indicates that truncating mutations in the TTN gene are expected to account for approximately 25% of familial and 18% of sporadic idiopathic DCM; however, truncating variants in the TTN gene have been reported in approximately 3% of reported control alleles. There has been little investigation into non-truncating variants. (Herman D et al. Truncations of titin causing dilated cardiomyopathy. N Eng J Med 366:619-628, 2012) The variant is found in DCM-CRDM panel(s).

NM_001267550.2(TTN):c.74564C>T (p.Thr24855Ile)

Genes: TTN (titin; minus strand), TTN-AS1 (TTN antisense RNA 1; plus strand). Cytogenetic location: 2q31.2.
Variant type: single nucleotide variant.
Coding change: c.74564C>T on transcript NM_001267550.2 (MANE Select); coding-DNA position 74564, C replaced by T.
Protein change: p.Thr24855Ile; replaces threonine 24855 with isoleucine.
Molecular consequence: missense variant.
Genome position (GRCh38, 1-based): chr2:178,571,568, G>A on the plus strand (C>T on the coding strand, the complement: TTN is on the minus strand). VCF-style: chr2-178571568-G-A. GRCh37 (hg19) VCF-style: chr2-179436295-G-A.
Other names: p.T23214I:ACC>ATC; c.69641C>T, p.Thr23214Ile (NM_001256850.1); c.47369C>T, p.Thr15790Ile (NM_003319.4); c.66860C>T, p.Thr22287Ile (NM_133378.4); c.47744C>T, p.Thr15915Ile (NM_133432.3); c.47945C>T, p.Thr15982Ile (NM_133437.4); short protein forms T23214I, T24855I, T15790I, T22287I, T15915I, T15982I.
Identifiers: ClinVar variation 202856 (VCV000202856.10), dbSNP rs759432194, ClinGen allele CA310496.